The following is an entry in ClinVar:

ClinVar aggregate classification (germline): Uncertain significance (1 of 4 stars; one submission).

Submission:

GeneDx
Classification: Uncertain significance. Last evaluated: 2022-05-12. Review status: criteria provided, single submitter. Criteria: GeneDx Variant Classification Process June 2021. Collection method: clinical testing. Allele origin: germline. Affected: yes.
Comment: Not observed at significant frequency in large population cohorts (gnomAD); In silico analysis supports that this missense variant has a deleterious effect on protein structure/function; Has not been previously published as pathogenic or benign to our knowledge

NM_004568.6(SERPINB6):c.1082A>G (p.His361Arg)

Gene: SERPINB6 (serpin family B member 6; minus strand). Cytogenetic location: 6p25.2.
Variant type: single nucleotide variant.
Coding change: c.1082A>G on transcript NM_004568.6 (MANE Select); coding-DNA position 1082, A replaced by G.
Protein change: p.His361Arg; replaces histidine 361 with arginine.
Molecular consequence: missense variant. On other transcripts: non-coding transcript variant (1).
Genome position (GRCh38, 1-based): chr6:2,948,347, T>C on the plus strand (A>G on the coding strand, the complement: SERPINB6 is on the minus strand). VCF-style: chr6-2948347-T-C. GRCh37 (hg19) VCF-style: chr6-2948581-T-C.
Other names: c.1094A>G, p.His365Arg (NM_001195291.3, NM_001374515.1); c.1124A>G, p.His375Arg (NM_001271822.2); c.1139A>G, p.His380Arg (NM_001271823.2); c.1082A>G, p.His361Arg (NM_001271824.2, NM_001271825.2, NM_001297699.2 and 2 more transcripts); c.950A>G, p.His317Arg (NM_001374517.1); short protein forms H317R, H361R, H365R, H375R, H380R.
Identifiers: ClinVar variation 1723683 (VCV001723683.2), dbSNP rs2532533626, ClinGen allele CA362577353.